The following is an entry in ClinVar:

NM_022489.4(INF2):c.1887+8C>T

Gene: INF2 (inverted formin 2; plus strand). Cytogenetic location: 14q32.33.
Variant type: single nucleotide variant.
Coding change: c.1887+8C>T on transcript NM_022489.4 (MANE Select); 8 bases into the intron after coding-DNA position 1887, C replaced by T.
Molecular consequence: intron variant.
Genome position (GRCh38, 1-based): chr14:104,708,595, C>T. VCF-style: chr14-104708595-C-T. GRCh37 (hg19) VCF-style: chr14-105174932-C-T.
Other names: c.1887+8C>T (NM_001031714.4).
Identifiers: ClinVar variation 383725 (VCV000383725.5), dbSNP rs569295413, ClinGen allele CA7372699.

ClinVar aggregate classification (germline): Likely benign. Review status: criteria provided, multiple submitters, no conflicts (2 of 4 stars). 2 submissions from 2 submitters: Likely benign (2). Last evaluated 2026-01-05.

Conditions:
Charcot-Marie-Tooth disease dominant intermediate E. Also called: CHARCOT-MARIE-TOOTH NEUROPATHY WITH FOCAL SEGMENTAL GLOMERULONEPHRITIS. Identifiers: Orphanet 93114, MedGen C4302667, MONDO:0013758, OMIM 614455.
Focal segmental glomerulosclerosis 5 (FSGS5). Identifiers: Orphanet 656, MedGen C2750475, MONDO:0013191, OMIM 613237.

Allele frequency attached by ClinVar (database versions not stated): ExAC 0.00002; gnomAD 0.00002; TOPMed 0.00002; gnomAD exomes 0.00003 and 0.00005.
gnomAD v4.1: 40 of 1,612,432 alleles (0.0025%); highest among the groups gnomAD compares: East Asian, 0.013%; no homozygotes.

Submissions (2):

Labcorp Genetics (formerly Invitae), Labcorp
Classification: Likely benign for Charcot-Marie-Tooth disease dominant intermediate E; Focal segmental glomerulosclerosis 5. Last evaluated: 2026-01-05. Review status: criteria provided, single submitter. Criteria: Invitae Variant Classification Sherloc (09022015). Collection method: clinical testing. Allele origin: germline.

GeneDx
Classification: Likely benign. Last evaluated: 2016-02-22. Review status: criteria provided, single submitter. Criteria: GeneDx Variant Classification (06012015). Collection method: clinical testing. Allele origin: germline. Affected: yes.
Comment: This variant is considered likely benign or benign based on one or more of the following criteria: it is a conservative change, it occurs at a poorly conserved position in the protein, it is predicted to be benign by multiple in silico algorithms, and/or has population frequency not consistent with disease.